The following is an entry in ClinVar:

NM_032551.4(KISS1R):c.-406C>G

Genes: KISS1R (KISS1 receptor; plus strand), LOC130062851 (ATAC-STARR-seq lymphoblastoid silent region 9628; plus strand). Cytogenetic location: 19p13.3.
Variant type: single nucleotide variant.
Coding change: c.-406C>G on transcript NM_032551.4; 406 bases upstream of the start codon, C replaced by G.
Genome position (GRCh38, 1-based): chr19:917,097, C>G. VCF-style: chr19-917097-C-G. GRCh37 (hg19) VCF-style: chr19-917097-C-G.
Identifiers: ClinVar variation 672983 (VCV000672983.3), dbSNP rs116938043, ClinGen allele CA303953065.

ClinVar aggregate classification (germline): Likely benign (1 of 4 stars; one submission).

Allele frequency attached by ClinVar (database versions not stated): 1000 Genomes Project 30x 0.00828; TOPMed 0.01362; gnomAD 0.01420 and 0.01442; 1000 Genomes Project 0.00839.

Submission:

GeneDx
Classification: Likely benign. Last evaluated: 2018-06-14. Review status: criteria provided, single submitter. Criteria: GeneDx Variant Classification (06012015). Collection method: clinical testing. Allele origin: germline. Affected: yes.
Comment: This variant is considered likely benign or benign based on one or more of the following criteria: it is a conservative change, it occurs at a poorly conserved position in the protein, it is predicted to be benign by multiple in silico algorithms, and/or has population frequency not consistent with disease.